The following is an entry in ClinVar:

NM_172107.4(KCNQ2):c.1870G>T (p.Gly624Trp)

Gene: KCNQ2 (potassium voltage-gated channel subfamily Q member 2; minus strand). Cytogenetic location: 20q13.33.
Variant type: single nucleotide variant.
Coding change: c.1870G>T on transcript NM_172107.4 (MANE Select); coding-DNA position 1870, G replaced by T.
Protein change: p.Gly624Trp; replaces glycine 624 with tryptophan.
Molecular consequence: missense variant.
Genome position (GRCh38, 1-based): chr20:63,408,430, C>A on the plus strand (G>T on the coding strand, the complement: KCNQ2 is on the minus strand). VCF-style: chr20-63408430-C-A. GRCh37 (hg19) VCF-style: chr20-62039783-C-A.
Other names: c.1924G>T, p.Gly642Trp (NM_001382235.1); c.1786G>T, p.Gly596Trp (NM_004518.6); c.1816G>T, p.Gly606Trp (NM_172106.3); c.1777G>T, p.Gly593Trp (NM_172108.5); short protein forms G624W, G593W, G596W, G606W, G642W.
Identifiers: ClinVar variation 1523465 (VCV001523465.7), dbSNP rs771211103, ClinGen allele CA409640234.
Genomic context (GRCh38, chr20:63,408,430, plus strand): 5'-ACAGCCCTCCAGCCCCGCACCCCTCCCGCCCAGCCTCTCGCACCTGCTTCTCCACCTTCC[C>A]GAGCCGTCCCATCATGCTGGGGTCCTCGGGCAGCTCCGCCTCGGCCGGGCCCTTGGTGCG-3'
Protein context (NP_742105.1, residues 614-634): PEDPSMMGRL[Gly624Trp]KVEKQVLSME

ClinVar aggregate classification (germline): Uncertain significance (1 of 4 stars; one submission).

Conditions:
Early-infantile DEE. Also called: Early infantile epileptic encephalopathy; Ohtahara syndrome; Early infantile epileptic encephalopathy with suppression bursts. Identifiers: Orphanet 1934, MedGen C0393706, MONDO:0800491.

Submission:

Labcorp Genetics (formerly Invitae), Labcorp
Classification: Uncertain significance for Early-infantile DEE. Last evaluated: 2022-02-09. Review status: criteria provided, single submitter. Criteria: Invitae Variant Classification Sherloc (09022015). Collection method: clinical testing. Allele origin: germline.
Comment: Advanced modeling of protein sequence and biophysical properties (such as structural, functional, and spatial information, amino acid conservation, physicochemical variation, residue mobility, and thermodynamic stability) performed at Invitae indicates that this missense variant is expected to disrupt KCNQ2 protein function. This variant has not been reported in the literature in individuals affected with KCNQ2-related conditions. This variant is present in population databases (no rsID available, gnomAD 0.1%). This sequence change replaces glycine, which is neutral and non-polar, with tryptophan, which is neutral and slightly polar, at codon 624 of the KCNQ2 protein (p.Gly624Trp). In summary, the available evidence is currently insufficient to determine the role of this variant in disease. Therefore, it has been classified as a Variant of Uncertain Significance.